The following is an entry in ClinVar:

NM_032892.5(FRMD5):c.793-18_793-9del

Gene: FRMD5 (FERM domain containing 5; minus strand). Cytogenetic location: 15q15.3.
Variant type: Deletion.
Coding change: c.793-18_793-9del on transcript NM_032892.5 (MANE Select); 18 bases into the intron before coding-DNA position 793 through 9 bases into the intron before coding-DNA position 793, 10 bases deleted (ATGTGGAATT; older notation c.793-18_793-9delATGTGGAATT).
Molecular consequence: intron variant.
Genome position (GRCh38, 1-based): chr15:43,888,275-43,888,284, AATTCCACAT deleted on the plus strand (ATGTGGAATT on the coding strand, the reverse complement: FRMD5 is on the minus strand). VCF-style (leftmost placement, unchanged base first): chr15-43888274-AAATTCCACAT-A. GRCh37 (hg19) VCF-style: chr15-44180472-AAATTCCACAT-A.
Other names: c.688-18_688-9del (NM_001322951.2); c.793-18_793-9del (NM_001322949.2, NM_001411124.1, NM_001322950.2); c.91-18_91-9del (NM_001286491.2); c.511-18_511-9del (NM_001286490.2); c.793-18_793-9del10 (NM_032892.5).
Identifiers: ClinVar variation 2691681 (VCV002691681.1), dbSNP rs1416984075, ClinGen allele CA617662894.

ClinVar aggregate classification (germline): Likely benign (1 of 4 stars; one submission).

Allele frequency attached by ClinVar (database versions not stated): gnomAD exomes below 0.00001; TOPMed 0.00001; gnomAD 0.00002.

Submission:

Women's Health and Genetics/Laboratory Corporation of America, LabCorp
Classification: Likely benign. Last evaluated: 2023-12-13. Review status: criteria provided, single submitter. Criteria: LabCorp Variant Classification Summary - May 2015. Collection method: clinical testing. Allele origin: germline.
Comment: Variant summary: FRMD5 c.793-18_793-9del10 alters a non-conserved nucleotide located at a position not widely known to affect splicing. Consensus agreement among computation tools predict no significant impact on normal splicing. However, these predictions have yet to be confirmed by functional studies. The variant allele was found at a frequency of 5.1e-06 in 780744 control chromosomes. The available data on variant occurrences in the general population are insufficient to allow any conclusion about variant significance. To our knowledge, no occurrence of c.793-18_793-9del10 in individuals affected with Neurodevelopmental Disorder With Eye Movement Abnormalities And Ataxia and no experimental evidence demonstrating its impact on protein function have been reported. No submitters have cited clinical-significance assessments for this variant to ClinVar after 2014. Based on the evidence outlined above, the variant was classified as likely benign.